The following is an entry in ClinVar:

NM_001128178.3(NPHP1):c.468A>G (p.Glu156=)

Gene: NPHP1 (nephrocystin 1; minus strand). Cytogenetic location: 2q13.
Variant type: single nucleotide variant.
Coding change: c.468A>G on transcript NM_001128178.3 (MANE Select); coding-DNA position 468, A replaced by G.
Protein change: p.Glu156=; no amino-acid change (glutamic acid 156 retained).
Molecular consequence: synonymous variant.
Genome position (GRCh38, 1-based): chr2:110,169,860, T>C on the plus strand (A>G on the coding strand, the complement: NPHP1 is on the minus strand). VCF-style: chr2-110169860-T-C. GRCh37 (hg19) VCF-style: chr2-110927437-T-C.
Other names: c.468A>G (NM_000272.3); c.468A>G, p.Glu156= (NM_000272.5, NM_001374256.1, NM_001374257.1 and 1 more transcripts); c.282A>G, p.Glu94= (NM_001128179.3).
Identifiers: ClinVar variation 1964638 (VCV001964638.7), dbSNP rs2467403924, ClinGen allele CA427919335.

ClinVar aggregate classification (germline): Likely benign. Review status: criteria provided, multiple submitters, no conflicts (2 of 4 stars). 3 submissions from 3 submitters: Likely benign (3). Last evaluated 2024-12-16.

Conditions:
NPHP1-related disorder. Also called: NPHP1-related condition; NPHP1-related disorders.
Nephronophthisis. Also called: Juvenile Nephronophthisis. Identifiers: Orphanet 655, MedGen C0687120, MONDO:0019005, HP:0000090.

Submissions (3):

PreventionGenetics, part of Exact Sciences
Classification: Likely benign for NPHP1-related condition. Last evaluated: 2024-12-16. Review status: criteria provided, single submitter. Criteria: ACMG Guidelines, 2015. Collection method: clinical testing. Allele origin: germline.
Comment: This variant is classified as likely benign based on ACMG/AMP sequence variant interpretation guidelines (Richards et al. 2015 PMID: 25741868, with internal and published modifications).

Labcorp Genetics (formerly Invitae), Labcorp
Classification: Likely benign for Nephronophthisis. Last evaluated: 2024-03-20. Review status: criteria provided, single submitter. Criteria: Invitae Variant Classification Sherloc (09022015). Collection method: clinical testing. Allele origin: germline.

Breakthrough Genomics
Classification: Likely benign. Review status: criteria provided, single submitter. Criteria: ACMG Guidelines, 2015. Collection method: not provided. Allele origin: germline. Inheritance: Autosomal recessive inheritance. Affected: yes.